The following is an entry in ClinVar:

ClinVar aggregate classification (germline): Uncertain significance. Review status: criteria provided, multiple submitters, no conflicts (2 of 4 stars). 3 submissions from 3 submitters: Uncertain significance (3). Last evaluated 2024-10-21.

Conditions:
Ullrich congenital muscular dystrophy 2 (UCMD2). Identifiers: Orphanet 75840, MedGen C4225314, MONDO:0014654, OMIM 616470.
Bethlem myopathy 2 (BTHLM2). Identifiers: Orphanet 536516, Orphanet 610, MedGen C4225313, MONDO:0034022, OMIM 616471.

Allele frequency attached by ClinVar (database versions not stated): ESP Exome Variant Server 0.00008.
gnomAD v4.1: 8 of 1,614,004 alleles (0.0005%); highest among the groups gnomAD compares: Non-Finnish European, 0.00068%; no homozygotes.

Submissions (3):

Labcorp Genetics (formerly Invitae), Labcorp
Classification: Uncertain significance for Bethlem myopathy 2; Ullrich congenital muscular dystrophy 2. Last evaluated: 2024-10-21. Review status: criteria provided, single submitter. Criteria: Invitae Variant Classification Sherloc (09022015). Collection method: clinical testing. Allele origin: germline.
Comment: This sequence change replaces aspartic acid, which is acidic and polar, with glutamic acid, which is acidic and polar, at codon 2049 of the COL12A1 protein (p.Asp2049Glu). This variant is present in population databases (rs200777154, gnomAD 0.002%). This variant has not been reported in the literature in individuals affected with COL12A1-related conditions. ClinVar contains an entry for this variant (Variation ID: 932590). Invitae Evidence Modeling of protein sequence and biophysical properties (such as structural, functional, and spatial information, amino acid conservation, physicochemical variation, residue mobility, and thermodynamic stability) indicates that this missense variant is not expected to disrupt COL12A1 protein function with a negative predictive value of 80%. In summary, the available evidence is currently insufficient to determine the role of this variant in disease. Therefore, it has been classified as a Variant of Uncertain Significance.

GeneDx
Classification: Uncertain significance. Last evaluated: 2023-12-06. Review status: criteria provided, single submitter. Criteria: GeneDx Variant Classification Process June 2021. Collection method: clinical testing. Allele origin: germline. Affected: yes.
Comment: Has not been previously published as pathogenic or benign to our knowledge; In silico analysis supports that this missense variant does not alter protein structure/function

CeGaT Center for Human Genetics Tuebingen
Classification: Uncertain significance. Last evaluated: 2020-04-01. Review status: criteria provided, single submitter. Criteria: CeGaT Center For Human Genetics Tuebingen Variant Classification Criteria Version 2. Collection method: clinical testing. Allele origin: germline. Affected: yes. Observed: 1 variant allele.

NM_004370.6(COL12A1):c.6147T>G (p.Asp2049Glu)

Gene: COL12A1 (collagen type XII alpha 1 chain; minus strand). Cytogenetic location: 6q13.
Variant type: single nucleotide variant.
Coding change: c.6147T>G on transcript NM_004370.6 (MANE Select); coding-DNA position 6147, T replaced by G.
Protein change: p.Asp2049Glu; replaces aspartic acid 2049 with glutamic acid.
Molecular consequence: missense variant.
Genome position (GRCh38, 1-based): chr6:75,130,154, A>C on the plus strand (T>G on the coding strand, the complement: COL12A1 is on the minus strand). VCF-style: chr6-75130154-A-C. GRCh37 (hg19) VCF-style: chr6-75839870-A-C.
Other names: c.2655T>G, p.Asp885Glu (NM_080645.3); c.6147T>G (NM_004370.5); short protein forms D885E, D2049E.
Identifiers: ClinVar variation 932590 (VCV000932590.43), dbSNP rs200777154, ClinGen allele CA3892883.